The following is an entry in ClinVar:

NM_000059.4(BRCA2):c.1702A>C (p.Thr568Pro)

Gene: BRCA2 (BRCA2 DNA repair associated; plus strand). Cytogenetic location: 13q13.1.
Variant type: single nucleotide variant.
Coding change: c.1702A>C on transcript NM_000059.4 (MANE Select); coding-DNA position 1702, A replaced by C.
Protein change: p.Thr568Pro; replaces threonine 568 with proline.
Molecular consequence: missense variant. On other transcripts: non-coding transcript variant (1), intron variant (1).
Genome position (GRCh38, 1-based): chr13:32,333,180, A>C. VCF-style: chr13-32333180-A-C. GRCh37 (hg19) VCF-style: chr13-32907317-A-C.
Other names: c.1702A>C, p.Thr568Pro (NM_001406719.1, NM_001406720.1, NM_001406721.1 and 1 more transcripts); c.424+2150A>C (NM_001406722.1); short protein forms T568P.
Identifiers: ClinVar variation 3902467 (VCV003902467.1).

ClinVar aggregate classification (germline): Uncertain significance (1 of 4 stars; one submission).

Submission:

Women's Health and Genetics/Laboratory Corporation of America, LabCorp
Classification: Uncertain significance. Last evaluated: 2025-05-06. Review status: criteria provided, single submitter. Criteria: LabCorp Variant Classification Summary - May 2015. Collection method: clinical testing. Allele origin: germline.
Comment: Variant summary: BRCA2 c.1702A>C (p.Thr568Pro) results in a non-conservative amino acid change in the encoded protein sequence. Algorithms developed to predict the effect of missense changes on protein structure and function are either unavailable or do not agree on the potential impact of this missense change. The variant was absent in 251136 control chromosomes. The available data on variant occurrences in the general population are insufficient to allow any conclusion about variant significance. To our knowledge, no occurrence of c.1702A>C in individuals affected with Hereditary Breast And Ovarian Cancer Syndrome and no experimental evidence demonstrating its impact on protein function have been reported. No submitters have cited clinical-significance assessments for this variant to ClinVar. Based on the evidence outlined above, the variant was classified as uncertain significance.